The following is an entry in ClinVar:

ClinVar aggregate classification (germline): Conflicting classifications of pathogenicity. Review status: criteria provided, conflicting classifications (1 of 4 stars). 5 submissions from 5 submitters: Uncertain significance (3); Likely benign (2). Last evaluated 2026-07-20.

Conditions:
KMT2D-related disorder. Also called: KMT2D-Related Disorders.
Kabuki syndrome 1 (KABUK1). Also called: KMT2D-Related Kabuki Syndrome. Identifiers: Orphanet 2322, MedGen CN030661, MONDO:0007843, OMIM 147920.
Choanal atresia-athelia-hypothyroidism-delayed puberty-short stature syndrome (BCAHH). Also called: BRANCHIAL ARCH ABNORMALITIES, CHOANAL ATRESIA, ATHELIA, HEARING LOSS, AND HYPOTHYROIDISM SYNDROME. Identifiers: Orphanet 589856, MedGen C5680310, MONDO:0035651, OMIM 620186.
Kabuki syndrome. Also called: NIIKAWA-KUROKI SYNDROME; Kabuki make-up syndrome. Identifiers: Orphanet 2322, MedGen C0796004, MONDO:0016512.

Allele frequency attached by ClinVar (database versions not stated): gnomAD exomes 0.00001; gnomAD 0.00002; TOPMed 0.00003.
gnomAD v4.1: 64 of 1,599,496 alleles (0.004%); highest among the groups gnomAD compares: Non-Finnish European, 0.0044%; no homozygotes.

Submissions (5):

PreventionGenetics, part of Exact Sciences
Classification: Likely benign for KMT2D-related condition. Last evaluated: 2026-07-20. Review status: criteria provided, single submitter. Criteria: ACMG Guidelines, 2015. Collection method: clinical testing. Allele origin: germline.
Comment: This variant is classified as likely benign based on ACMG/AMP sequence variant interpretation guidelines (Richards et al. 2015 PMID: 25741868, with internal and published modifications).

CeGaT Center for Human Genetics Tuebingen
Classification: Likely benign. Last evaluated: 2026-04-01. Review status: criteria provided, single submitter. Criteria: CeGaT Center For Human Genetics Tuebingen Variant Classification Criteria Version 2. Collection method: clinical testing. Allele origin: germline. Affected: yes. Observed: 1 variant allele.
Comment: KMT2D: BP4, BS2

Labcorp Genetics (formerly Invitae), Labcorp
Classification: Uncertain significance for Kabuki syndrome. Last evaluated: 2025-03-17. Review status: criteria provided, single submitter. Criteria: Invitae Variant Classification Sherloc (09022015). Collection method: clinical testing. Allele origin: germline.
Comment: This sequence change replaces arginine, which is basic and polar, with methionine, which is neutral and non-polar, at codon 4666 of the KMT2D protein (p.Arg4666Met). The frequency data for this variant in the population databases is considered unreliable, as metrics indicate poor data quality at this position in the gnomAD database. This variant has not been reported in the literature in individuals affected with KMT2D-related conditions. ClinVar contains an entry for this variant (Variation ID: 594779). Experimental studies and prediction algorithms are not available or were not evaluated, and the functional significance of this variant is currently unknown. In summary, the available evidence is currently insufficient to determine the role of this variant in disease. Therefore, it has been classified as a Variant of Uncertain Significance.

Fulgent Genetics
Classification: Uncertain significance for Kabuki syndrome 1; Choanal atresia-athelia-hypothyroidism-delayed puberty-short stature syndrome. Last evaluated: 2024-02-25. Review status: criteria provided, single submitter. Criteria: ACMG Guidelines, 2015. Collection method: clinical testing. Allele origin: germline.

Eurofins Ntd Llc (ga)
Classification: Uncertain significance. Last evaluated: 2017-11-15. Review status: criteria provided, single submitter. Criteria: EGL Classification Definitions 2015. Collection method: clinical testing. Allele origin: germline. Observed: 1 variant allele, 1 heterozygote.

NM_003482.4(KMT2D):c.13997G>T (p.Arg4666Met)

Gene: KMT2D (lysine methyltransferase 2D; minus strand). Cytogenetic location: 12q13.12.
Variant type: single nucleotide variant.
Coding change: c.13997G>T on transcript NM_003482.4 (MANE Select); coding-DNA position 13997, G replaced by T.
Protein change: p.Arg4666Met; replaces arginine 4666 with methionine.
Molecular consequence: missense variant.
Genome position (GRCh38, 1-based): chr12:49,030,282, C>A on the plus strand (G>T on the coding strand, the complement: KMT2D is on the minus strand). VCF-style: chr12-49030282-C-A. GRCh37 (hg19) VCF-style: chr12-49424065-C-A.
Other names: c.13997G>T (NM_003482.3); short protein forms R4666M.
Identifiers: ClinVar variation 594779 (VCV000594779.13), dbSNP rs1044422721, ClinGen allele CA236637520.
Genomic context (GRCh38, chr12:49,030,282, plus strand): 5'-ACTGGTTTGGACTCCAGCTACCAAACTCCACCAGGGGTGGCATCTGCTCTTGACTTACCC[C>A]TCAGTGCCCTTTCACTATCCCGGGCAGAGGCAGCATCCTTGGGGTGCTCCCCCAGCTCTT-3'
Protein context (NP_003473.3, residues 4656-4676): ASARDSERAL[Arg4666Met]DTSEVKSLDL